The following is an entry in ClinVar:

ClinVar aggregate classification (germline): Benign (1 of 4 stars; one submission).

Conditions:
White sponge nevus 2 (WSN2). Identifiers: MedGen C4014321, MONDO:0014346, OMIM 615785.

Allele frequency attached by ClinVar (database versions not stated): gnomAD 0.00029 and 0.00032; ESP Exome Variant Server 0.00031; TOPMed 0.00035; gnomAD exomes 0.00042 and 0.00050; ExAC 0.00067; 1000 Genomes Project 30x 0.00078; 1000 Genomes Project 0.00080.

Submission:

Illumina Laboratory Services, Illumina
Classification: Benign for White sponge nevus 2. Last evaluated: 2018-01-13. Review status: criteria provided, single submitter. Criteria: ICSL Variant Classification Criteria 13 December 2019. Collection method: clinical testing. Allele origin: germline.
Comment: This variant was observed in the ICSL laboratory as part of a predisposition screen in an ostensibly healthy population. It had not been previously curated by ICSL or reported in the Human Gene Mutation Database (HGMD: prior to June 1st, 2018), and was therefore a candidate for classification through an automated scoring system. Utilizing variant allele frequency, disease prevalence and penetrance estimates, and inheritance mode, an automated score was calculated to assess if this variant is too frequent to cause the disease. Based on the score and internal cut-off values, a variant classified as benign is not then subjected to further curation. The score for this variant resulted in a classification of benign for this disease.

NM_153490.3(KRT13):c.1366C>T (p.Arg456Cys)

Gene: KRT13 (keratin 13; minus strand). Cytogenetic location: 17q21.2.
Variant type: single nucleotide variant.
Coding change: c.1366C>T on transcript NM_153490.3 (MANE Select); coding-DNA position 1366, C replaced by T.
Protein change: p.Arg456Cys; replaces arginine 456 with cysteine.
Molecular consequence: missense variant. On other transcripts: 3 prime UTR variant (1).
Genome position (GRCh38, 1-based): chr17:41,501,267, G>A on the plus strand (C>T on the coding strand, the complement: KRT13 is on the minus strand). VCF-style: chr17-41501267-G-A. GRCh37 (hg19) VCF-style: chr17-39657519-G-A.
Other names: c.*77C>T (NM_002274.4); short protein forms R456C.
Identifiers: ClinVar variation 889143 (VCV000889143.4), dbSNP rs146666963, ClinGen allele CA8560404.